The following is an entry in ClinVar:

ClinVar aggregate classification (germline): Uncertain significance (1 of 4 stars; one submission).

Conditions:
X-linked immunodeficiency with magnesium defect, Epstein-Barr virus infection and neoplasia. Identifiers: Orphanet 317476, MedGen C3275445, MONDO:0010455, OMIM 300853.

Submission:

Labcorp Genetics (formerly Invitae), Labcorp
Classification: Uncertain significance for X-linked immunodeficiency with magnesium defect, Epstein-Barr virus infection and neoplasia. Last evaluated: 2025-10-16. Review status: criteria provided, single submitter. Criteria: Invitae Variant Classification Sherloc (09022015). Collection method: clinical testing. Allele origin: germline.
Comment: This sequence change replaces glycine, which is neutral and non-polar, with arginine, which is basic and polar, at codon 314 of the MAGT1 protein (p.Gly314Arg). This variant is not present in population databases (gnomAD no frequency). This variant has not been reported in the literature in individuals affected with MAGT1-related conditions. Invitae Evidence Modeling of protein sequence and biophysical properties (such as structural, functional, and spatial information, amino acid conservation, physicochemical variation, residue mobility, and thermodynamic stability) indicates that this missense variant is expected to disrupt MAGT1 protein function with a positive predictive value of 80%. In summary, the available evidence is currently insufficient to determine the role of this variant in disease. Therefore, it has been classified as a Variant of Uncertain Significance.

NM_001367916.1(MAGT1):c.844G>C (p.Gly282Arg)

Gene: MAGT1 (magnesium transporter 1; minus strand). Cytogenetic location: Xq21.1.
Variant type: single nucleotide variant.
Coding change: c.844G>C on transcript NM_001367916.1 (MANE Select); coding-DNA position 844, G replaced by C.
Protein change: p.Gly282Arg; replaces glycine 282 with arginine.
Molecular consequence: missense variant.
Genome position (GRCh38, 1-based): chrX:77,841,303, C>G on the plus strand (G>C on the coding strand, the complement: MAGT1 is on the minus strand). VCF-style: chrX-77841303-C-G. GRCh37 (hg19) VCF-style: chrX-77096800-C-G.
Other names: c.940G>C, p.Gly314Arg (NM_032121.5); short protein forms G282R, G314R.
Identifiers: ClinVar variation 4740561 (VCV004740561.1).
Genomic context (GRCh38, chrX:77,841,303, plus strand): 5'-TACTCTTTCGCTTTCCAATATCCATGTCAGAGGTAGCAGCTTCACATAAAAGCACCATTC[C>G]TAAGGTAACTCCACCATCTAAGAAAAATTGTTTAAGGAGAAATTCGCACAGACAAAAAAG-3'
Protein context (NP_001354845.1, residues 272-292): VLLFNGGVTL[Gly282Arg]MVLLCEAATS